The following is an entry in ClinVar:

ClinVar aggregate classification (germline): Uncertain significance. Review status: criteria provided, multiple submitters, no conflicts (2 of 4 stars). 3 submissions from 3 submitters: Uncertain significance (3). Last evaluated 2022-04-21.

Conditions:
Cardiovascular phenotype. Identifiers: MedGen CN230736.

Allele frequency attached by ClinVar (database versions not stated): TOPMed 0.00005.

Submissions (3):

GeneDx
Classification: Uncertain significance. Last evaluated: 2022-04-21. Review status: criteria provided, single submitter. Criteria: GeneDx Variant Classification Process June 2021. Collection method: clinical testing. Allele origin: germline. Affected: yes.
Comment: Not observed at significant frequency in large population cohorts (gnomAD); Missense variant in a gene in which most reported pathogenic variants are truncating/loss of function; Has not been previously published as pathogenic or benign to our knowledge

Revvity Omics, Revvity
Classification: Uncertain significance. Last evaluated: 2021-02-04. Review status: criteria provided, single submitter. Criteria: ACMG Guidelines, 2015. Collection method: clinical testing. Allele origin: germline.

Ambry Genetics
Classification: Uncertain significance for Cardiovascular phenotype. Last evaluated: 2019-12-16. Review status: criteria provided, single submitter. Criteria: Ambry Variant Classification Scheme 2023. Collection method: clinical testing. Allele origin: germline.
Comment: The p.V20546M variant (also known as c.61636G>A), located in coding exon 159 of the TTN gene, results from a G to A substitution at nucleotide position 61636. The valine at codon 20546 is replaced by methionine, an amino acid with highly similar properties. This amino acid position is highly conserved in available vertebrate species. In addition, this alteration is predicted to be tolerated by in silico analysis. Since supporting evidence is limited at this time, the clinical significance of this alteration remains unclear.

NM_001267550.2(TTN):c.88831G>A (p.Val29611Met)

Genes: TTN (titin; minus strand), TTN-AS1 (TTN antisense RNA 1; plus strand). Cytogenetic location: 2q31.2.
Variant type: single nucleotide variant.
Coding change: c.88831G>A on transcript NM_001267550.2 (MANE Select); coding-DNA position 88831, G replaced by A.
Protein change: p.Val29611Met; replaces valine 29611 with methionine.
Molecular consequence: missense variant.
Genome position (GRCh38, 1-based): chr2:178,554,516, C>T on the plus strand (G>A on the coding strand, the complement: TTN is on the minus strand). VCF-style: chr2-178554516-C-T. GRCh37 (hg19) VCF-style: chr2-179419243-C-T.
Other names: p.V27970M:GTG>ATG; c.83908G>A, p.Val27970Met (NM_001256850.1); c.61636G>A, p.Val20546Met (NM_003319.4); c.81127G>A, p.Val27043Met (NM_133378.4); c.62011G>A, p.Val20671Met (NM_133432.3); c.62212G>A, p.Val20738Met (NM_133437.4); c.88831G>A (NM_001267550.1); short protein forms V27970M, V29611M, V20738M, V20546M, V20671M, V27043M.
Identifiers: ClinVar variation 202954 (VCV000202954.9), dbSNP rs79299277, ClinGen allele CA310796.